The following is an entry in ClinVar:

NM_006231.4(POLE):c.6634A>G (p.Met2212Val)

Gene: POLE (DNA polymerase epsilon, catalytic subunit; minus strand). Cytogenetic location: 12q24.33.
Variant type: single nucleotide variant.
Coding change: c.6634A>G on transcript NM_006231.4 (MANE Select); coding-DNA position 6634, A replaced by G.
Protein change: p.Met2212Val; replaces methionine 2212 with valine.
Molecular consequence: missense variant.
Genome position (GRCh38, 1-based): chr12:132,625,668, T>C on the plus strand (A>G on the coding strand, the complement: POLE is on the minus strand). VCF-style: chr12-132625668-T-C. GRCh37 (hg19) VCF-style: chr12-133202254-T-C.
Other names: short protein forms M2212V.
Identifiers: ClinVar variation 1478557 (VCV001478557.8), dbSNP rs2138427458, ClinGen allele CA387366487.

ClinVar aggregate classification (germline): Uncertain significance (1 of 4 stars; one submission).

Allele frequency attached by ClinVar (database versions not stated): gnomAD exomes below 0.00001.
gnomAD v4.1: 2 of 1,613,730 alleles (0.00012%); highest among the groups gnomAD compares: Non-Finnish European, 0.00017%; no homozygotes.

Submission:

Labcorp Genetics (formerly Invitae), Labcorp
Classification: Uncertain significance. Last evaluated: 2024-04-08. Review status: criteria provided, single submitter. Criteria: Invitae Variant Classification Sherloc (09022015). Collection method: clinical testing. Allele origin: germline.
Comment: This sequence change replaces methionine, which is neutral and non-polar, with valine, which is neutral and non-polar, at codon 2212 of the POLE protein (p.Met2212Val). This variant is not present in population databases (gnomAD no frequency). This variant has not been reported in the literature in individuals affected with POLE-related conditions. ClinVar contains an entry for this variant (Variation ID: 1478557). Advanced modeling of protein sequence and biophysical properties (such as structural, functional, and spatial information, amino acid conservation, physicochemical variation, residue mobility, and thermodynamic stability) performed at Invitae indicates that this missense variant is not expected to disrupt POLE protein function with a negative predictive value of 80%. In summary, the available evidence is currently insufficient to determine the role of this variant in disease. Therefore, it has been classified as a Variant of Uncertain Significance.